The following is an entry in ClinVar:

NM_000169.3(GLA):c.581C>T (p.Thr194Ile)

Genes: GLA (galactosidase alpha; minus strand), RPL36A-HNRNPH2 (RPL36A-HNRNPH2 readthrough; plus strand). Cytogenetic location: Xq22.1.
Variant type: single nucleotide variant.
Coding change: c.581C>T on transcript NM_000169.3 (MANE Select); coding-DNA position 581, C replaced by T.
Protein change: p.Thr194Ile; replaces threonine 194 with isoleucine.
Molecular consequence: missense variant. On other transcripts: non-coding transcript variant (2), intron variant (2).
Genome position (GRCh38, 1-based): chrX:101,400,724, G>A on the plus strand (C>T on the coding strand, the complement: GLA is on the minus strand). VCF-style: chrX-101400724-G-A. GRCh37 (hg19) VCF-style: chrX-100655712-G-A.
Other names: c.704C>T, p.Thr235Ile (NM_001406747.1); c.581C>T, p.Thr194Ile (NM_001406748.1); c.300+5267G>A (NM_001199973.2); c.177+8902G>A (NM_001199974.2); short protein forms T194I, T235I.
Identifiers: ClinVar variation 2690610 (VCV002690610.4), dbSNP rs2520887188, ClinGen allele CA413927659.

ClinVar aggregate classification (germline): Pathogenic/Likely pathogenic. Review status: criteria provided, multiple submitters, no conflicts (2 of 4 stars). 2 submissions from 2 submitters: Pathogenic (1); Likely pathogenic (1). Last evaluated 2026-09-08.

Conditions:
Fabry disease. Also called: ALPHA-GALACTOSIDASE A DEFICIENCY; ANDERSON-FABRY DISEASE; CERAMIDE TRIHEXOSIDASE DEFICIENCY; GLA DEFICIENCY; HEREDITARY DYSTOPIC LIPIDOSIS; Fabry's disease. Identifiers: Orphanet 324, MedGen C0002986, MONDO:0010526, OMIM 301500, HP:0001071. Disease mechanism: Fabry disease is due to inactivating mutations in the X-linked GLA gene resulting in deficiency of the enzyme Alpha Galactosidase-A., loss of function.

Submissions (2):

Genomenon, Inc
Classification: Pathogenic for Fabry disease. Last evaluated: 2026-09-08. Review status: criteria provided, single submitter. Criteria: Genomenon Sequence Variant Interpretation Standards - Updated. Collection method: curation. Allele origin: germline. Affected: yes.
Comment: GLA p.Thr194Ile (c.581C>T) is a missense variant that changes the amino acid at codon 194 from Threonine to Isoleucine. This variant has been observed in at least one proband with clinical features consistent with Fabry disease (PMID:33906135;33807900;37240859;28728877;27560961;16531566;33022387;34785703;26842625;28663131;31449323;23600802;39980015;37470867;26333625). The variant was found to segregate with disease in at least one affected family (PMID:37470867). At least one functional study has demonstrated a substantial alteration in protein function relative to the wild-type (PMID:27657681). It is absent or not present at a significant frequency in gnomAD. In silico models predict that this variant is possibly or probably damaging. In conclusion, we classify GLA p.Thr194Ile (c.581C>T) as a pathogenic variant.

Revvity Omics, Revvity
Classification: Likely pathogenic. Last evaluated: 2023-08-10. Review status: criteria provided, single submitter. Criteria: ACMG Guidelines, 2015. Collection method: clinical testing. Allele origin: germline.

Literature cited by the submitters: PubMed 33906135 (cited by Genomenon, Inc); PubMed 33807900 (cited by Genomenon, Inc); PubMed 37240859 (cited by Genomenon, Inc); PubMed 28728877 (cited by Genomenon, Inc); PubMed 27560961 (cited by Genomenon, Inc); PubMed 16531566 (cited by Genomenon, Inc); PubMed 33022387 (cited by Genomenon, Inc); PubMed 34785703 (cited by Genomenon, Inc); PubMed 26842625 (cited by Genomenon, Inc); PubMed 28663131 (cited by Genomenon, Inc); PubMed 31449323 (cited by Genomenon, Inc); PubMed 23600802 (cited by Genomenon, Inc); PubMed 39980015 (cited by Genomenon, Inc); PubMed 37470867 (cited by Genomenon, Inc); PubMed 26333625 (cited by Genomenon, Inc); PubMed 27657681 (cited by Genomenon, Inc).